The following is an entry in ClinVar:

ClinVar aggregate classification (germline): Conflicting classifications of pathogenicity. Review status: criteria provided, conflicting classifications (1 of 4 stars). 3 submissions from 3 submitters: Uncertain significance (2); Likely benign (1). Last evaluated 2022-01-25.

Conditions:
Arrhythmogenic right ventricular dysplasia 11. Also called: Arrhythmogenic right ventricular dysplasia 11 with mild palmoplantar keratoderma and woolly hair; Arrhythmogenic Right Ventricular Dysplasia/Cardiomyopathy11; ARRHYTHMOGENIC RIGHT VENTRICULAR DYSPLASIA, FAMILIAL, 11. Identifiers: MedGen C1864850, MONDO:0012506, OMIM 610476.
Cardiomyopathy (CMYO). Also called: Cardiomyopathies. Identifiers: Orphanet 167848, MedGen C0878544, MONDO:0004994, HP:0001638. Inheritance: Various modes of inheritance.

Allele frequency attached by ClinVar (database versions not stated): gnomAD exomes below 0.00001 and 0.00001; ExAC 0.00001.
gnomAD v4.1: 10 of 1,614,046 alleles (0.00062%); highest among the groups gnomAD compares: Non-Finnish European, 0.00085%; no homozygotes.

Submissions (3):

Color Diagnostics, LLC DBA Color Health
Classification: Uncertain significance for Cardiomyopathy. Last evaluated: 2022-01-25. Review status: criteria provided, single submitter. Criteria: ACMG Guidelines, 2015. Collection method: clinical testing. Allele origin: germline.
Comment: This missense variant replaces serine with glycine at codon 504 of the DSC2 protein. Computational prediction suggests that this variant may not impact protein structure and function (internally defined REVEL score threshold <= 0.5, PMID: 27666373). To our knowledge, functional studies have not been reported for this variant. This variant has not been reported in individuals affected with cardiovascular disorders in the literature. This variant has been identified in 1/251110 chromosomes in the general population by the Genome Aggregation Database (gnomAD). The available evidence is insufficient to determine the role of this variant in disease conclusively. Therefore, this variant is classified as a Variant of Uncertain Significance.

Labcorp Genetics (formerly Invitae), Labcorp
Classification: Uncertain significance for Arrhythmogenic right ventricular dysplasia 11. Last evaluated: 2020-09-08. Review status: criteria provided, single submitter. Criteria: Invitae Variant Classification Sherloc (09022015). Collection method: clinical testing. Allele origin: germline.
Comment: This sequence change replaces serine with glycine at codon 504 of the DSC2 protein (p.Ser504Gly). The serine residue is weakly conserved and there is a small physicochemical difference between serine and glycine. This variant is present in population databases (rs750965801, ExAC 0.002%). This variant has not been reported in the literature in individuals with DSC2-related conditions. ClinVar contains an entry for this variant (Variation ID: 199756). Algorithms developed to predict the effect of missense changes on protein structure and function are either unavailable or do not agree on the potential impact of this missense change (SIFT: "Tolerated"; PolyPhen-2: "Not Available"; Align-GVGD: "Class C0"). In summary, the available evidence is currently insufficient to determine the role of this variant in disease. Therefore, it has been classified as a Variant of Uncertain Significance.

GeneDx
Classification: Likely benign. Last evaluated: 2013-09-26. Review status: criteria provided, single submitter. Criteria: GeneDx Variant Classification (06012015). Collection method: clinical testing. Allele origin: germline. Affected: yes.
Comment: This variant is considered likely benign or benign based on one or more of the following criteria: it is a conservative change, it occurs at a poorly conserved position in the protein, it is predicted to be benign by multiple in silico algorithms, and/or has population frequency not consistent with disease.

NM_024422.6(DSC2):c.1510A>G (p.Ser504Gly)

Gene: DSC2 (desmocollin 2; minus strand). Cytogenetic location: 18q12.1.
Variant type: single nucleotide variant.
Coding change: c.1510A>G on transcript NM_024422.6 (MANE Select); coding-DNA position 1510, A replaced by G.
Protein change: p.Ser504Gly; replaces serine 504 with glycine.
Molecular consequence: missense variant.
Genome position (GRCh38, 1-based): chr18:31,080,106, T>C on the plus strand (A>G on the coding strand, the complement: DSC2 is on the minus strand). VCF-style: chr18-31080106-T-C. GRCh37 (hg19) VCF-style: chr18-28660072-T-C.
Other names: p.S504G:AGT>GGT; c.1510A>G, p.Ser504Gly (NM_004949.5); short protein forms S504G.
Identifiers: ClinVar variation 199756 (VCV000199756.10), dbSNP rs750965801, ClinGen allele CA022479.